The following is an entry in ClinVar:

NM_004994.3(MMP9):c.437C>T (p.Ala146Val)

Gene: MMP9 (matrix metallopeptidase 9; plus strand). Cytogenetic location: 20q13.12.
Variant type: single nucleotide variant.
Coding change: c.437C>T on transcript NM_004994.3 (MANE Select); coding-DNA position 437, C replaced by T.
Protein change: p.Ala146Val; replaces alanine 146 with valine.
Molecular consequence: missense variant.
Genome position (GRCh38, 1-based): chr20:46,010,548, C>T. VCF-style: chr20-46010548-C-T. GRCh37 (hg19) VCF-style: chr20-44639187-C-T.
Other names: short protein forms A146V.
Identifiers: ClinVar variation 4109189 (VCV004109189.2).

ClinVar aggregate classification (germline): Uncertain significance. Review status: criteria provided, multiple submitters, no conflicts (2 of 4 stars). 2 submissions from 2 submitters: Uncertain significance (2). Last evaluated 2025-10-15.

Submissions (2):

Labcorp Genetics (formerly Invitae), Labcorp
Classification: Uncertain significance. Last evaluated: 2025-10-15. Review status: criteria provided, single submitter. Criteria: Invitae Variant Classification Sherloc (09022015). Collection method: clinical testing. Allele origin: germline.
Comment: This sequence change replaces alanine, which is neutral and non-polar, with valine, which is neutral and non-polar, at codon 146 of the MMP9 protein (p.Ala146Val). This variant is present in population databases (rs201130037, gnomAD 0.002%). This variant has not been reported in the literature in individuals affected with MMP9-related conditions. Invitae Evidence Modeling of protein sequence and biophysical properties (such as structural, functional, and spatial information, amino acid conservation, physicochemical variation, residue mobility, and thermodynamic stability) indicates that this missense variant is not expected to disrupt MMP9 protein function with a negative predictive value of 80%. In summary, the available evidence is currently insufficient to determine the role of this variant in disease. Therefore, it has been classified as a Variant of Uncertain Significance.

Ambry Genetics
Classification: Uncertain significance. Last evaluated: 2025-08-05. Review status: criteria provided, single submitter. Criteria: Ambry Variant Classification Scheme 2023. Collection method: clinical testing. Allele origin: germline.